The following is an entry in ClinVar:

NM_004612.4(TGFBR1):c.929C>T (p.Ala310Val)

Gene: TGFBR1 (transforming growth factor beta receptor 1; plus strand). Cytogenetic location: 9q22.33.
Variant type: single nucleotide variant.
Coding change: c.929C>T on transcript NM_004612.4 (MANE Select); coding-DNA position 929, C replaced by T.
Protein change: p.Ala310Val; replaces alanine 310 with valine.
Molecular consequence: missense variant.
Genome position (GRCh38, 1-based): chr9:99,142,659, C>T. VCF-style: chr9-99142659-C-T. GRCh37 (hg19) VCF-style: chr9-101904941-C-T.
Other names: c.698C>T, p.Ala233Val (NM_001130916.3); c.941C>T, p.Ala314Val (NM_001306210.2); c.929C>T (NM_004612.3); short protein forms A310V, A314V, A233V.
Identifiers: ClinVar variation 520216 (VCV000520216.25), dbSNP rs202010361, ClinGen allele CA043393.
Genomic context (GRCh38, chr9:99,142,659, plus strand): 5'-ATTACTTAAACAGATACACAGTTACTGTGGAAGGAATGATAAAACTTGCTCTGTCCACGG[C>T]GAGCGGTCTTGCCCATCTTCACATGGAGATTGTTGGTACCCAAGGTAATTCTATAAGCAG-3'
Protein context (NP_004603.1, residues 300-320): EGMIKLALST[Ala310Val]SGLAHLHMEI

ClinVar aggregate classification (germline): Uncertain significance. Review status: criteria provided, multiple submitters, no conflicts (2 of 4 stars). 8 submissions from 8 submitters: Uncertain significance (8). Last evaluated 2025-11-25.

Conditions:
TGFBR1-related disorder. Also called: TGFBR1-related condition.
Multiple self-healing squamous epithelioma (MSSE). Also called: MULTIPLE SELF-HEALING SQUAMOUS EPITHELIOMA, SUSCEPTIBILITY TO. Identifiers: Orphanet 65748, MedGen C0546476, MONDO:0007566, OMIM 132800.
Loeys-Dietz syndrome 1 (LDS1). Also called: TGFBR1-Related Loeys-Dietz Syndrome; FURLONG SYNDROME; AORTIC ANEURYSM, FAMILIAL THORACIC 5. Identifiers: Orphanet 60030, MedGen C4551955, MONDO:0012212, OMIM 609192.
Loeys-Dietz syndrome (LDS). Identifiers: Orphanet 60030, MedGen C2697932, MONDO:0018954.
Familial thoracic aortic aneurysm and aortic dissection (TAAD). Also called: Thoracic aortic aneurysms and dissections. Identifiers: Orphanet 91387, MedGen C4707243, MONDO:0019625.

Allele frequency attached by ClinVar (database versions not stated): gnomAD exomes below 0.00001 and 0.00001; ExAC 0.00002; gnomAD 0.00005; TOPMed 0.00005; 1000 Genomes Project 30x 0.00016; 1000 Genomes Project 0.00020.
gnomAD v4.1: 23 of 1,614,066 alleles (0.0014%); highest among the groups gnomAD compares: African/African-American, 0.02%; no homozygotes.

Submissions (8):

Ambry Genetics
Classification: Uncertain significance for Familial thoracic aortic aneurysm and aortic dissection. Last evaluated: 2025-11-25. Review status: criteria provided, single submitter. Criteria: Ambry Variant Classification Scheme 2023. Collection method: clinical testing. Allele origin: germline.
Comment: The p.A310V variant (also known as c.929C>T), located in coding exon 5 of the TGFBR1 gene, results from a C to T substitution at nucleotide position 929. The alanine at codon 310 is replaced by valine, an amino acid with similar properties. This alteration has been reported in a Loeys-Dietz syndrome cohort; however, clinical details were limited (Yang H et al. Orphanet J Rare Dis, 2020 01;15:6). This amino acid position is highly conserved in available vertebrate species. In addition, this alteration is predicted to be deleterious by in silico analysis. Since supporting evidence is limited at this time, the clinical significance of this alteration remains unclear.

Women's Health and Genetics/Laboratory Corporation of America, LabCorp
Classification: Uncertain significance. Last evaluated: 2025-11-07. Review status: criteria provided, single submitter. Criteria: LabCorp Variant Classification Summary - May 2015. Collection method: clinical testing. Allele origin: germline.
Comment: Variant summary: TGFBR1 c.929C>T (p.Ala310Val) results in a non-conservative amino acid change in the encoded protein sequence. Algorithms developed to predict the effect of missense changes on protein structure and function all suggest that this variant is likely to be disruptive. The variant allele was found at a frequency of 4e-06 in 251086 control chromosomes. The available data on variant occurrences in the general population are insufficient to allow any conclusion about variant significance. c.929C>T has been observed in an individual affected with Loeys-Dietz Syndrome without unequivocal evidence for causality (Yang_2020). These report(s) do not provide unequivocal conclusions about association of the variant with Loeys-Dietz Syndrome. To our knowledge, no experimental evidence demonstrating an impact on protein function has been reported. The following publication have been ascertained in the context of this evaluation (PMID: 31915033). ClinVar contains an entry for this variant (Variation ID: 520216). Based on the evidence outlined above, the variant was classified as uncertain significance.

Labcorp Genetics (formerly Invitae), Labcorp
Classification: Uncertain significance for Familial thoracic aortic aneurysm and aortic dissection. Last evaluated: 2025-08-09. Review status: criteria provided, single submitter. Criteria: Invitae Variant Classification Sherloc (09022015). Collection method: clinical testing. Allele origin: germline.
Comment: This sequence change replaces alanine, which is neutral and non-polar, with valine, which is neutral and non-polar, at codon 310 of the TGFBR1 protein (p.Ala310Val). This variant is present in population databases (rs202010361, gnomAD 0.02%). This missense change has been observed in individual(s) with clinical features of Loeys-Dietz syndrome (PMID: 31915033). ClinVar contains an entry for this variant (Variation ID: 520216). Invitae Evidence Modeling of protein sequence and biophysical properties (such as structural, functional, and spatial information, amino acid conservation, physicochemical variation, residue mobility, and thermodynamic stability) indicates that this missense variant is not expected to disrupt TGFBR1 protein function with a negative predictive value of 80%. In summary, the available evidence is currently insufficient to determine the role of this variant in disease. Therefore, it has been classified as a Variant of Uncertain Significance.

All of Us Research Program, National Institutes of Health
Classification: Uncertain significance for Loeys-Dietz syndrome. Last evaluated: 2024-07-29. Review status: criteria provided, single submitter. Criteria: ACMG Guidelines, 2015. Collection method: clinical testing. Allele origin: germline. Inheritance: Autosomal dominant inheritance. Observed: 5 variant alleles, 5 heterozygotes.
Comment: This missense variant replaces alanine with valine at codon 310 of the TGFBR1 protein. Computational prediction tool suggests that this variant may have deleterious impact on protein structure and function (internally defined REVEL score threshold >=0.7, PMID: 27666373). Splice site prediction tools suggest that this variant may not impact RNA splicing. To our knowledge, functional studies have not been performed for this variant. This variant has not been reported in individuals affected with cardiovascular disorders in the literature. This variant has been identified in 6/282484 chromosomes in the general population by the Genome Aggregation Database (gnomAD). The available evidence is insufficient to determine the role of this variant in disease conclusively. Therefore, this variant is classified as a Variant of Uncertain Significance.

This study involves interpretation of variants in research participants for the purpose of population health screening. Participant phenotype was not available at the time of variant classification. Additional details can be found in publication PMID: 35346344, PMCID: PMC8962531

Color Diagnostics, LLC DBA Color Health
Classification: Uncertain significance for Familial thoracic aortic aneurysm and aortic dissection. Last evaluated: 2024-05-06. Review status: criteria provided, single submitter. Criteria: ACMG Guidelines, 2015. Collection method: clinical testing. Allele origin: germline.
Comment: This missense variant replaces alanine with valine at codon 310 of the TGFBR1 protein. Computational prediction suggests that this variant may have deleterious impact on protein structure and function (internally defined REVEL score threshold >= 0.7, PMID: 27666373). To our knowledge, functional studies have not been reported for this variant. This variant has been reported in an individual affected with thoracic aortic aneurysm and dissection (PMID: 31915033). This variant has been identified in 6/282484 chromosomes in the general population by the Genome Aggregation Database (gnomAD). The available evidence is insufficient to determine the role of this variant in disease conclusively. Therefore, this variant is classified as a Variant of Uncertain Significance.

PreventionGenetics, part of Exact Sciences
Classification: Uncertain significance for TGFBR1-related condition. Last evaluated: 2022-10-14. Review status: criteria provided, single submitter. Criteria: ACMG Guidelines, 2015. Collection method: clinical testing. Allele origin: germline.
Comment: The TGFBR1 c.929C>T variant is predicted to result in the amino acid substitution p.Ala310Val. This variant was reported with uncertain significance in a study of Chinese individuals with Loeys-Dietz syndrome (Yang et al. 2020. PubMed ID: 31915033). This variant is reported in 0.024% of alleles in individuals of African descent in gnomAD. At this time, the clinical significance of this variant is uncertain due to the absence of conclusive functional and genetic evidence.

Fulgent Genetics
Classification: Uncertain significance for Multiple self-healing squamous epithelioma; Loeys-Dietz syndrome 1. Last evaluated: 2021-09-01. Review status: criteria provided, single submitter. Criteria: ACMG Guidelines, 2015. Collection method: clinical testing. Allele origin: unknown.

CHEO Genetics Diagnostic Laboratory, Children's Hospital of Eastern Ontario
Classification: Uncertain significance for Familial thoracic aortic aneurysm and aortic dissection. Last evaluated: 2016-07-25. Review status: criteria provided, single submitter. Criteria: ACMG Guidelines, 2015. Collection method: clinical testing. Allele origin: germline. Study: Canadian Open Genetics Repository.

Literature cited by the submitters: PubMed 31915033 (cited by 4 submitters).